The following is an entry in ClinVar:

ClinVar aggregate classification (germline): Uncertain significance (1 of 4 stars; one submission).

Submission:

GeneDx
Classification: Uncertain significance. Last evaluated: 2020-10-29. Review status: criteria provided, single submitter. Criteria: GeneDx Variant Classification Process June 2021. Collection method: clinical testing. Allele origin: germline. Affected: yes.
Comment: Has not been previously published as pathogenic or benign to our knowledge; Not observed in large population cohorts (Lek et al., 2016); Frameshift variant predicted to result in protein truncation or nonsense mediated decay in a gene for which loss-of-function is not a known mechanism of disease

NM_006514.4(SCN10A):c.2955_3018delinsAGACCCATC (p.Ser985fs)

Genes: SCN10A (sodium voltage-gated channel alpha subunit 10; minus strand), LOC110121288 (VISTA enhancer hs2268; plus strand). Cytogenetic location: 3p22.2.
Variant type: Indel.
Coding change: c.2955_3018delinsAGACCCATC on transcript NM_006514.4 (MANE Select); coding-DNA positions 2955 to 3018, the reference bases replaced by AGACCCATC.
Protein change: p.Ser985fs; shifts the reading frame from serine 985.
Molecular consequence: frameshift variant.
Genome position (GRCh38, 1-based): chr3:38,726,675-38,726,738, 64 bases replaced. GRCh37 (hg19): chr3:38,768,166-38,768,229.
Other names: c.2955_3018delinsAGACCCATC, p.Ser985fs (NM_001293306.2); c.2661_2724delinsAGACCCATC, p.Ser887fs (NM_001293307.2); short protein forms S887fs, S985fs.
Identifiers: ClinVar variation 1219078 (VCV001219078.3), dbSNP rs2126001161, ClinGen allele CA2499216761.